The following is an entry in ClinVar:

ClinVar aggregate classification (germline): Uncertain significance. Review status: criteria provided, multiple submitters, no conflicts (2 of 4 stars). 3 submissions from 3 submitters: Uncertain significance (3). Last evaluated 2025-10-27.

Conditions:
Inborn genetic diseases. Identifiers: MedGen C0950123, MeSH D030342.
Leukocyte adhesion deficiency 1 (LAD1). Also called: LAD 1; Lymphocyte function-associated antigen 1 immunodeficiency; LFA 1 immunodeficiency; LEUKOCYTE ADHESION DEFICIENCY, TYPE I. Identifiers: Orphanet 2968, Orphanet 99842, MedGen C0398738, MONDO:0007293, OMIM 116920.

Allele frequency attached by ClinVar (database versions not stated): ExAC 0.00002; gnomAD exomes 0.00002 and 0.00003; TOPMed 0.00009; gnomAD 0.00011; ESP Exome Variant Server 0.00015.
gnomAD v4.1: 52 of 1,613,394 alleles (0.0032%); highest among the groups gnomAD compares: Middle Eastern, 0.049%; no homozygotes.

Submissions (3):

Mayo Clinic Laboratories, Mayo Clinic
Classification: Uncertain significance. Last evaluated: 2025-10-27. Review status: criteria provided, single submitter. Criteria: ACMG Guidelines, 2015. Collection method: clinical testing. Allele origin: germline. Observed: 1 variant allele.
Comment: BP4_moderate

Ambry Genetics
Classification: Uncertain significance for Inborn genetic diseases. Last evaluated: 2025-01-21. Review status: criteria provided, single submitter. Criteria: Ambry Variant Classification Scheme 2023. Collection method: clinical testing. Allele origin: germline.

Labcorp Genetics (formerly Invitae), Labcorp
Classification: Uncertain significance for Leukocyte adhesion deficiency 1. Last evaluated: 2022-03-29. Review status: criteria provided, single submitter. Criteria: Invitae Variant Classification Sherloc (09022015). Collection method: clinical testing. Allele origin: germline.
Comment: This sequence change replaces isoleucine, which is neutral and non-polar, with valine, which is neutral and non-polar, at codon 436 of the ITGB2 protein (p.Ile436Val). This variant is present in population databases (rs142489611, gnomAD 0.02%). This variant has not been reported in the literature in individuals affected with ITGB2-related conditions. ClinVar contains an entry for this variant (Variation ID: 864682). Algorithms developed to predict the effect of missense changes on protein structure and function (SIFT, PolyPhen-2, Align-GVGD) all suggest that this variant is likely to be tolerated. In summary, the available evidence is currently insufficient to determine the role of this variant in disease. Therefore, it has been classified as a Variant of Uncertain Significance.

NM_000211.5(ITGB2):c.1306A>G (p.Ile436Val)

Gene: ITGB2 (integrin subunit beta 2; minus strand). Cytogenetic location: 21q22.3.
Variant type: single nucleotide variant.
Coding change: c.1306A>G on transcript NM_000211.5 (MANE Select); coding-DNA position 1306, A replaced by G.
Protein change: p.Ile436Val; replaces isoleucine 436 with valine.
Molecular consequence: missense variant.
Genome position (GRCh38, 1-based): chr21:44,891,915, T>C on the plus strand (A>G on the coding strand, the complement: ITGB2 is on the minus strand). VCF-style: chr21-44891915-T-C. GRCh37 (hg19) VCF-style: chr21-46311830-T-C.
Other names: p.Ile436Val; c.1306A>G, p.Ile436Val (NM_001127491.3); c.1099A>G, p.Ile367Val (NM_001303238.2); c.1306A>G (NM_000211.3); short protein forms I367V, I436V.
Identifiers: ClinVar variation 864682 (VCV000864682.10), dbSNP rs142489611, ClinGen allele CA10062862.